The following is an entry in ClinVar:

NM_003052.5(SLC34A1):c.398C>T (p.Ala133Val)

Gene: SLC34A1 (solute carrier family 34 member 1; plus strand). Cytogenetic location: 5q35.3.
Variant type: single nucleotide variant.
Coding change: c.398C>T on transcript NM_003052.5 (MANE Select); coding-DNA position 398, C replaced by T.
Protein change: p.Ala133Val; replaces alanine 133 with valine.
Molecular consequence: missense variant.
Genome position (GRCh38, 1-based): chr5:177,386,432, C>T. VCF-style: chr5-177386432-C-T. GRCh37 (hg19) VCF-style: chr5-176813433-C-T.
Other names: c.398C>T, p.Ala133Val (NM_001167579.2); short protein forms A133V.
Identifiers: ClinVar variation 352960 (VCV000352960.47), dbSNP rs148976897, ClinGen allele CA3580376.

ClinVar aggregate classification (germline): Conflicting classifications of pathogenicity. Review status: criteria provided, conflicting classifications (1 of 4 stars). 11 submissions from 11 submitters: Uncertain significance (1); Likely benign (8). 2 of the submissions do not count toward it. Last evaluated 2026-07-01.

Conditions:
Nephrocalcinosis. Also called: Hypercalcemic nephropathy. Identifiers: MedGen C0027709, MONDO:0001567, HP:0000121.
Hypercalcemia, infantile, 2 (HCINF2). Identifiers: Orphanet 300547, MedGen C4310473, MONDO:0014851, OMIM 616963.
Fanconi renotubular syndrome 2 (FRTS2). Identifiers: MedGen C3150652, MONDO:0013247, OMIM 613388.
Hypophosphatemic nephrolithiasis/osteoporosis 1. Identifiers: Orphanet 244305, MedGen C2676786, MONDO:0012850, OMIM 612286.
SLC34A1-related disorder. Also called: SLC34A1-related condition; SLC34A1-related disorders.

Allele frequency attached by ClinVar (database versions not stated): 1000 Genomes Project 0.00200; TOPMed 0.00244; ESP Exome Variant Server 0.00246; 1000 Genomes Project 30x 0.00250; gnomAD 0.00298 and 0.00301; ExAC 0.00349; gnomAD exomes 0.00372 and 0.00417.
gnomAD v4.1: 6,501 of 1,614,190 alleles (0.4%); highest among the groups gnomAD compares: South Asian, 0.5%; 23 homozygotes.

Submissions (11):

CeGaT Center for Human Genetics Tuebingen
Classification: Likely benign. Last evaluated: 2026-07-01. Review status: criteria provided, single submitter. Criteria: CeGaT Center For Human Genetics Tuebingen Variant Classification Criteria Version 2. Collection method: clinical testing. Allele origin: germline. Affected: yes. Observed: 4 variant alleles.
Comment: SLC34A1: BS2

Labcorp Genetics (formerly Invitae), Labcorp
Classification: Likely benign. Last evaluated: 2026-01-26. Review status: criteria provided, single submitter. Criteria: Invitae Variant Classification Sherloc (09022015). Collection method: clinical testing. Allele origin: germline.

Rare Kidney Stone Consortium and the Mayo Clinic Hyperoxaluria Center, Mayo Clinic
Classification: Uncertain significance for Fanconi renotubular syndrome 2; Hypercalcemia, infantile, 2; Hypophosphatemic nephrolithiasis/osteoporosis 1. Last evaluated: 2025-10-03. Review status: criteria provided, single submitter. Criteria: ACMG Guidelines, 2015. Collection method: research. Allele origin: germline. Observed: 6 variant alleles.

Blueprint Genetics
Classification: Likely benign. Last evaluated: 2024-11-12. Review status: criteria provided, single submitter. Criteria: ACMG Guidelines, 2015. Collection method: clinical testing. Allele origin: germline.

Fulgent Genetics
Classification: Likely benign for Hypophosphatemic nephrolithiasis/osteoporosis 1; Fanconi renotubular syndrome 2; Hypercalcemia, infantile, 2. Last evaluated: 2022-04-15. Review status: criteria provided, single submitter. Criteria: ACMG Guidelines, 2015. Collection method: clinical testing. Allele origin: unknown.

Department of Pathology and Laboratory Medicine, Sinai Health System
Classification: Likely benign for Hypophosphatemic nephrolithiasis/osteoporosis 1; Fanconi renotubular syndrome 2; Hypercalcemia, infantile, 2. Last evaluated: 2021-07-30. Review status: criteria provided, single submitter. Criteria: ACMG Guidelines, 2015. Collection method: research. Allele origin: germline.

GeneDx
Classification: Likely benign. Last evaluated: 2021-03-22. Review status: criteria provided, single submitter. Criteria: GeneDx Variant Classification Process June 2021. Collection method: clinical testing. Allele origin: germline. Affected: yes.
Comment: In silico analysis, which includes protein predictors and evolutionary conservation, supports a deleterious effect; This variant is associated with the following publications: (PMID: 16688119, 30778725, 31188746, 28893421, 26787776)

Illumina Laboratory Services, Illumina
Classification: Likely benign for Hypophosphatemic nephrolithiasis/osteoporosis 1. Last evaluated: 2017-04-27. Review status: criteria provided, single submitter. Criteria: ICSL Variant Classification Criteria 13 December 2019. Collection method: clinical testing. Allele origin: germline.
Comment: This variant was observed as part of a predisposition screen in an ostensibly healthy population. A literature search was performed for the gene, cDNA change, and amino acid change (where applicable). Publications were found based on this search. The evidence from the literature, in combination with allele frequency data from public databases where available, was sufficient to determine this variant is unlikely to cause disease. Therefore, this variant is classified as likely benign.

Breakthrough Genomics
Classification: Likely benign. Review status: criteria provided, single submitter. Criteria: ACMG Guidelines, 2015. Collection method: not provided. Allele origin: germline. Inheritance: Autosomal recessive inheritance. Affected: yes.

PreventionGenetics, part of Exact Sciences
Classification: Likely benign for SLC34A1-related condition. Last evaluated: 2020-10-13. Review status: no assertion criteria provided. Collection method: clinical testing. Allele origin: germline. Not counted in ClinVar's aggregate classification.
Comment: This variant is classified as likely benign based on ACMG/AMP sequence variant interpretation guidelines (Richards et al. 2015 PMID: 25741868, with internal and published modifications).

Yale Center for Mendelian Genomics, Yale University
Classification: Likely pathogenic for Nephrocalcinosis. Last evaluated: 2017-09-08. Review status: no assertion criteria provided. Collection method: literature only. Allele origin: germline. Affected: yes. Observed: 2 heterozygotes. Not counted in ClinVar's aggregate classification.

Literature cited by the submitters: PubMed 40794449 (cited by Rare Kidney Stone Consortium and the Mayo Clinic Hyperoxaluria Center, Mayo Clinic); PubMed 16688119 (cited by Illumina Laboratory Services, Illumina); PubMed 28893421 (cited by Yale Center for Mendelian Genomics, Yale University).